The following is an entry in ClinVar:

NM_000124.4(ERCC6):c.2598+1G>C

Gene: ERCC6 (ERCC excision repair 6, chromatin remodeling factor; minus strand). Cytogenetic location: 10q11.23.
Variant type: single nucleotide variant.
Coding change: c.2598+1G>C on transcript NM_000124.4 (MANE Select); the canonical splice donor site of the intron after coding-DNA position 2598, G replaced by C.
Molecular consequence: splice donor variant.
Genome position (GRCh38, 1-based): chr10:49,474,026, C>G on the plus strand (G>C on the coding strand, the complement: ERCC6 is on the minus strand). VCF-style: chr10-49474026-C-G. GRCh37 (hg19) VCF-style: chr10-50682072-C-G.
Other names: c.2598+1G>C (NM_001346440.2).
Identifiers: ClinVar variation 2050277 (VCV002050277.4), dbSNP rs2132541686, ClinGen allele CA376721175.

ClinVar aggregate classification (germline): Likely pathogenic (1 of 4 stars; one submission).

Submission:

Labcorp Genetics (formerly Invitae), Labcorp
Classification: Likely pathogenic. Last evaluated: 2024-01-01. Review status: criteria provided, single submitter. Criteria: Invitae Variant Classification Sherloc (09022015). Collection method: clinical testing. Allele origin: germline.
Comment: This sequence change affects a donor splice site in intron 13 of the ERCC6 gene. It is expected to disrupt RNA splicing. Variants that disrupt the donor or acceptor splice site typically lead to a loss of protein function (PMID: 16199547), and loss-of-function variants in ERCC6 are known to be pathogenic (PMID: 18628313, 29572252). This variant is not present in population databases (gnomAD no frequency). This variant has not been reported in the literature in individuals affected with ERCC6-related conditions. ClinVar contains an entry for this variant (Variation ID: 2050277). Algorithms developed to predict the effect of sequence changes on RNA splicing suggest that this variant may disrupt the consensus splice site. In summary, the currently available evidence indicates that the variant is pathogenic, but additional data are needed to prove that conclusively. Therefore, this variant has been classified as Likely Pathogenic.

Literature cited by the submitters: PubMed 16199547; PubMed 18628313; PubMed 29572252.